The following is an entry in ClinVar:

NM_000081.4(LYST):c.3250G>A (p.Ala1084Thr)

Gene: LYST (lysosomal trafficking regulator; minus strand). Cytogenetic location: 1q42.3.
Variant type: single nucleotide variant.
Coding change: c.3250G>A on transcript NM_000081.4 (MANE Select); coding-DNA position 3250, G replaced by A.
Protein change: p.Ala1084Thr; replaces alanine 1084 with threonine.
Molecular consequence: missense variant.
Genome position (GRCh38, 1-based): chr1:235,805,886, C>T on the plus strand (G>A on the coding strand, the complement: LYST is on the minus strand). VCF-style: chr1-235805886-C-T. GRCh37 (hg19) VCF-style: chr1-235969186-C-T.
Other names: c.3250G>A, p.Ala1084Thr (NM_001301365.1); c.3250G>A (NM_000081.2); short protein forms A1084T.
Identifiers: ClinVar variation 1386113 (VCV001386113.13), dbSNP rs376496670, ClinGen allele CA1467115.

ClinVar aggregate classification (germline): Uncertain significance. Review status: criteria provided, multiple submitters, no conflicts (2 of 4 stars). 5 submissions from 5 submitters: Uncertain significance (5). Last evaluated 2024-10-31.

Conditions:
Inborn genetic diseases. Identifiers: MedGen C0950123, MeSH D030342.
Chédiak-Higashi syndrome (CHS). Also called: Chediak-Higashi Syndrome. Identifiers: Orphanet 167, MedGen C0007965, MONDO:0008963, OMIM 214500.
Autoinflammatory syndrome. Identifiers: Orphanet 93665, MedGen C3890737, MONDO:0019751.

Allele frequency attached by ClinVar (database versions not stated): gnomAD 0.00001 and 0.00002; gnomAD exomes 0.00001; ExAC 0.00002; TOPMed 0.00002; ESP Exome Variant Server 0.00008.
gnomAD v4.1: 23 of 1,613,598 alleles (0.0014%); highest among the groups gnomAD compares: South Asian, 0.0033%; no homozygotes.

Submissions (5):

Labcorp Genetics (formerly Invitae), Labcorp
Classification: Uncertain significance for Chédiak-Higashi syndrome. Last evaluated: 2024-10-31. Review status: criteria provided, single submitter. Criteria: Invitae Variant Classification Sherloc (09022015). Collection method: clinical testing. Allele origin: germline.
Comment: This sequence change replaces alanine, which is neutral and non-polar, with threonine, which is neutral and polar, at codon 1084 of the LYST protein (p.Ala1084Thr). This variant is present in population databases (rs376496670, gnomAD 0.003%). This variant has not been reported in the literature in individuals affected with LYST-related conditions. ClinVar contains an entry for this variant (Variation ID: 1386113). Invitae Evidence Modeling of protein sequence and biophysical properties (such as structural, functional, and spatial information, amino acid conservation, physicochemical variation, residue mobility, and thermodynamic stability) indicates that this missense variant is not expected to disrupt LYST protein function with a negative predictive value of 80%. In summary, the available evidence is currently insufficient to determine the role of this variant in disease. Therefore, it has been classified as a Variant of Uncertain Significance.

Women's Health and Genetics/Laboratory Corporation of America, LabCorp
Classification: Uncertain significance. Last evaluated: 2024-01-18. Review status: criteria provided, single submitter. Criteria: LabCorp Variant Classification Summary - May 2015. Collection method: clinical testing. Allele origin: germline.
Comment: Variant summary: LYST c.3250G>A (p.Ala1084Thr) results in a non-conservative amino acid change in the encoded protein sequence. Three of four in-silico tools predict a benign effect of the variant on protein function. The variant allele was found at a frequency of 8e-06 in 250912 control chromosomes (gnomAD). The available data on variant occurrences in the general population are insufficient to allow any conclusion about variant significance. To our knowledge, no occurrence of c.3250G>A in individuals affected with Chediak-Higashi Syndrome and no experimental evidence demonstrating its impact on protein function have been reported. ClinVar contains an entry for this variant (Variation ID: 1386113). Based on the evidence outlined above, the variant was classified as uncertain significance.

Ambry Genetics
Classification: Uncertain significance for Inborn genetic diseases. Last evaluated: 2022-09-29. Review status: criteria provided, single submitter. Criteria: Ambry Variant Classification Scheme 2023. Collection method: clinical testing. Allele origin: germline.

Revvity Omics, Revvity
Classification: Uncertain significance for Chédiak-Higashi syndrome. Last evaluated: 2019-06-11. Review status: criteria provided, single submitter. Criteria: ACMG Guidelines, 2015. Collection method: clinical testing. Allele origin: germline.

Genome Diagnostics Laboratory, The Hospital for Sick Children
Classification: Uncertain significance for Autoinflammatory syndrome. Last evaluated: 2018-02-02. Review status: criteria provided, single submitter. Criteria: ACMG Guidelines, 2015. Collection method: clinical testing. Allele origin: germline. Affected: yes.